The following is an entry in ClinVar:

ClinVar aggregate classification (germline): Conflicting classifications of pathogenicity. Review status: criteria provided, conflicting classifications (1 of 4 stars). 6 submissions from 4 submitters: Uncertain significance (1); Benign (3); Likely benign (2). Last evaluated 2026-01-28.

Conditions:
Gaucher disease due to saposin C deficiency. Also called: Saposin C Deficiency; Atypical Gaucher disease due to saposin C deficiency. Identifiers: Orphanet 309252, Orphanet 355, MedGen C1864651, MONDO:0012517, OMIM 610539.
Sphingolipid activator protein 1 deficiency. Also called: Saposin B Deficiency; METACHROMATIC LEUKODYSTROPHY DUE TO CEREBROSIDE SULFATASE ACTIVATOR DEFICIENCY; Metachromatic leukodystrophy due to saposin B deficiency. Identifiers: Orphanet 512, MedGen C0268262, MONDO:0009590, OMIM 249900.
Krabbe disease due to saposin A deficiency. Also called: KRABBE DISEASE, ATYPICAL, DUE TO SAPOSIN A DEFICIENCY; Saposin A Deficiency. Identifiers: Orphanet 487, MedGen C2673266, MONDO:0012720, OMIM 611722.

Allele frequency attached by ClinVar (database versions not stated): gnomAD exomes 0.00019 and 0.00046; TOPMed 0.00182; gnomAD 0.00185 and 0.00178; 1000 Genomes Project 0.00280; 1000 Genomes Project 30x 0.00297; ExAC 0.00055; ESP Exome Variant Server 0.00177.
gnomAD v4.1: 556 of 1,614,152 alleles (0.034%); highest among the groups gnomAD compares: African/African-American, 0.68%; 1 homozygote.

Submissions (6):

Labcorp Genetics (formerly Invitae), Labcorp
Classification: Benign for Sphingolipid activator protein 1 deficiency. Last evaluated: 2026-01-28. Review status: criteria provided, single submitter. Criteria: Invitae Variant Classification Sherloc (09022015). Collection method: clinical testing. Allele origin: germline.

Mayo Clinic Laboratories, Mayo Clinic
Classification: Benign. Last evaluated: 2025-05-02. Review status: criteria provided, single submitter. Criteria: ACMG Guidelines, 2015. Collection method: clinical testing. Allele origin: germline. Observed: 4 variant alleles.
Comment: BA1, BP4, BP7

Blueprint Genetics
Classification: Likely benign. Last evaluated: 2024-06-19. Review status: criteria provided, single submitter. Criteria: ACMG Guidelines, 2015. Collection method: clinical testing. Allele origin: germline.

Illumina Laboratory Services, Illumina
Classification: Uncertain significance for Sphingolipid activator protein 1 deficiency. Last evaluated: 2018-01-12. Review status: criteria provided, single submitter. Criteria: ICSL Variant Classification Criteria 13 December 2019. Collection method: clinical testing. Allele origin: germline.

Illumina Laboratory Services, Illumina
Classification: Likely benign for Krabbe disease due to saposin A deficiency. Last evaluated: 2018-01-12. Review status: criteria provided, single submitter. Criteria: ICSL Variant Classification Criteria 13 December 2019. Collection method: clinical testing. Allele origin: germline.
Comment: This variant was observed in the ICSL laboratory as part of a predisposition screen in an ostensibly healthy population. It had not been previously curated by ICSL or reported in the Human Gene Mutation Database (HGMD: prior to June 1st, 2018), and was therefore a candidate for classification through an automated scoring system. Utilizing variant allele frequency, disease prevalence and penetrance estimates, and inheritance mode, an automated score was calculated to assess if this variant is too frequent to cause the disease. Based on the score and internal cut-off values, a variant classified as likely benign is not then subjected to further curation. The score for this variant resulted in a classification of likely benign for this disease.

Illumina Laboratory Services, Illumina
Classification: Benign for Gaucher disease due to saposin C deficiency. Last evaluated: 2018-01-12. Review status: criteria provided, single submitter. Criteria: ICSL Variant Classification Criteria 13 December 2019. Collection method: clinical testing. Allele origin: germline.
Comment: This variant was observed in the ICSL laboratory as part of a predisposition screen in an ostensibly healthy population. It had not been previously curated by ICSL or reported in the Human Gene Mutation Database (HGMD: prior to June 1st, 2018), and was therefore a candidate for classification through an automated scoring system. Utilizing variant allele frequency, disease prevalence and penetrance estimates, and inheritance mode, an automated score was calculated to assess if this variant is too frequent to cause the disease. Based on the score and internal cut-off values, a variant classified as benign is not then subjected to further curation. The score for this variant resulted in a classification of benign for this disease.

NM_002778.4(PSAP):c.1056C>T (p.Ser352=)

Gene: PSAP (prosaposin; minus strand). Cytogenetic location: 10q22.1.
Variant type: single nucleotide variant.
Coding change: c.1056C>T on transcript NM_002778.4 (MANE Select); coding-DNA position 1056, C replaced by T.
Protein change: p.Ser352=; no amino-acid change (serine 352 retained).
Molecular consequence: synonymous variant.
Genome position (GRCh38, 1-based): chr10:71,819,850, G>A on the plus strand (C>T on the coding strand, the complement: PSAP is on the minus strand). VCF-style: chr10-71819850-G-A. GRCh37 (hg19) VCF-style: chr10-73579607-G-A.
Other names: p.Ser352=; c.1065C>T, p.Ser355= (NM_001042465.3); c.1062C>T, p.Ser354= (NM_001042466.3).
Identifiers: ClinVar variation 300516 (VCV000300516.19), dbSNP rs138328594, ClinGen allele CA5547494.